The following is an entry in ClinVar:

ClinVar aggregate classification (germline): Pathogenic (1 of 4 stars; one submission).

Conditions:
Primary ciliary dyskinesia. Also called: Ciliary dyskinesia. Identifiers: Orphanet 244, MedGen C0008780, MONDO:0016575, HP:0012265.

Submission:

Labcorp Genetics (formerly Invitae), Labcorp
Classification: Pathogenic for Primary ciliary dyskinesia. Last evaluated: 2022-09-01. Review status: criteria provided, single submitter. Criteria: Invitae Variant Classification Sherloc (09022015). Collection method: clinical testing. Allele origin: germline.
Comment: For these reasons, this variant has been classified as Pathogenic. Algorithms developed to predict the effect of sequence changes on RNA splicing suggest that this variant may disrupt the consensus splice site. ClinVar contains an entry for this variant (Variation ID: 1074211). This variant has not been reported in the literature in individuals affected with RSPH9-related conditions. This variant is not present in population databases (gnomAD no frequency). This sequence change creates a premature translational stop signal (p.Glu192Serfs*5) in the RSPH9 gene. It is expected to result in an absent or disrupted protein product. Loss-of-function variants in RSPH9 are known to be pathogenic (PMID: 23993197, 25789548).

Literature cited by the submitters: PubMed 23993197; PubMed 25789548.

NM_152732.5(RSPH9):c.574del (p.Glu192fs)

Gene: RSPH9 (radial spoke head component 9; plus strand). Cytogenetic location: 6p21.1.
Variant type: Deletion.
Coding change: c.574del on transcript NM_152732.5 (MANE Select); coding-DNA position 574, one base deleted (G; older notation c.574delG).
Protein change: p.Glu192fs; shifts the reading frame from glutamic acid 192.
Molecular consequence: frameshift variant.
Genome position (GRCh38, 1-based): chr6:43,656,627, G deleted; the last of 3 consecutive G bases (chr6:43,656,625-43,656,627); deleting any one gives the same sequence. VCF-style (leftmost placement, unchanged base first): chr6-43656624-AG-A. GRCh37 (hg19) VCF-style: chr6-43624361-AG-A.
Other names: c.529del, p.Glu177fs (NM_001193341.2); short protein forms E177fs, E192fs.
Identifiers: ClinVar variation 1074211 (VCV001074211.7), dbSNP rs2127911266, ClinGen allele CA2499218315.
Genomic context (GRCh38, chr6:43,656,624, plus strand): 5'-CACCTCTTTCTAGGACTGTCCTTGTCTGAGGCCAAGAAGCTCAGCTCCTACTTCCATTTC[AG>A]GGAGCCTGTTGAGCTAAAGAATAAGACCTTGCTTGAGAAGGCTGACCTGGACCCCTCCCT-3'